The following is an entry in ClinVar:

NM_025132.4(WDR19):c.1015C>T (p.Gln339Ter)

Gene: WDR19 (WD repeat domain 19; plus strand). Cytogenetic location: 4p14.
Variant type: single nucleotide variant.
Coding change: c.1015C>T on transcript NM_025132.4 (MANE Select); coding-DNA position 1015, C replaced by T.
Protein change: p.Gln339Ter; replaces glutamine 339 with a stop codon.
Molecular consequence: nonsense.
Genome position (GRCh38, 1-based): chr4:39,215,894, C>T. VCF-style: chr4-39215894-C-T. GRCh37 (hg19) VCF-style: chr4-39217514-C-T.
Other names: c.535C>T, p.Gln179Ter (NM_001317924.2); short protein forms Q179*, Q339*.
Identifiers: ClinVar variation 2627408 (VCV002627408.2), dbSNP rs2475127412, ClinGen allele CA356629869.

ClinVar aggregate classification (germline): Likely pathogenic. Review status: criteria provided, multiple submitters, no conflicts (2 of 4 stars). 2 submissions from 2 submitters: Likely pathogenic (2). Last evaluated 2024-03-04.

Conditions:
WDR19-related disorder. Also called: WDR19-related condition; WDR19-related disorders. Identifiers: MedGen CN380161.
Nephronophthisis 13 (NPHP13). Identifiers: Orphanet 655, MedGen C3280612, MONDO:0013718, OMIM 614377.

gnomAD v4.1: 1 of 1,613,834 alleles (0.000062%); no homozygotes.

Submissions (2):

Blueprint Genetics
Classification: Likely pathogenic for WDR19-related disorders. Last evaluated: 2024-03-04. Review status: criteria provided, single submitter. Criteria: ACMG Guidelines, 2015. Collection method: clinical testing. Allele origin: germline. Affected: yes. Observed: 3 variant alleles.

Neuberg Centre For Genomic Medicine, NCGM
Classification: Likely pathogenic for Nephronophthisis 13. Review status: criteria provided, single submitter. Criteria: ACMG Guidelines, 2015. Collection method: clinical testing. Allele origin: germline. Inheritance: Autosomal recessive inheritance. Affected: yes.
Comment: The stop gained p.Q339* in WDR19 (NM_025132.4) has not been reported previously as a pathogenic variant nor as a benign variant, to our knowledge. The p.Q339* variant is novel (not in any individuals) in gnomAD Exomes and is novel (not in any individuals) in 1000 Genomes. This variant is predicted to cause loss of normal protein function through protein truncation. Loss of function variants have been reported to be disease causing. For these reasons, this variant has been classified as Likely Pathogenic.